The following is an entry in ClinVar:

ClinVar aggregate classification (germline): Uncertain significance (1 of 4 stars; one submission).

Conditions:
Cardiovascular phenotype. Identifiers: MedGen CN230736.

Submission:

Ambry Genetics
Classification: Uncertain significance for Cardiovascular phenotype. Last evaluated: 2025-05-05. Review status: criteria provided, single submitter. Criteria: Ambry Variant Classification Scheme 2023. Collection method: clinical testing. Allele origin: germline.
Comment: The p.A566T variant (also known as c.1696G>A), located in coding exon 12 of the TRPM4 gene, results from a G to A substitution at nucleotide position 1696. The alanine at codon 566 is replaced by threonine, an amino acid with similar properties. This amino acid position is conserved. In addition, the in silico prediction for this alteration is inconclusive. Based on the available evidence, the clinical significance of this variant remains unclear.

NM_017636.4(TRPM4):c.1696G>A (p.Ala566Thr)

Gene: TRPM4 (transient receptor potential cation channel subfamily M member 4; plus strand). Cytogenetic location: 19q13.33.
Variant type: single nucleotide variant.
Coding change: c.1696G>A on transcript NM_017636.4 (MANE Select); coding-DNA position 1696, G replaced by A.
Protein change: p.Ala566Thr; replaces alanine 566 with threonine.
Molecular consequence: missense variant.
Genome position (GRCh38, 1-based): chr19:49,183,165, G>A. VCF-style: chr19-49183165-G-A. GRCh37 (hg19) VCF-style: chr19-49686422-G-A.
Other names: c.1696G>A, p.Ala566Thr (NM_001195227.2); c.1351G>A, p.Ala451Thr (NM_001321281.2); c.88G>A, p.Ala30Thr (NM_001321282.2); c.1174G>A, p.Ala392Thr (NM_001321283.2); c.634G>A, p.Ala212Thr (NM_001321285.2); short protein forms A392T, A566T, A212T, A30T, A451T.
Identifiers: ClinVar variation 3974274 (VCV003974274.1).